The following is an entry in ClinVar:

NM_015629.4(PRPF31):c.1273C>T (p.Gln425Ter)

Gene: PRPF31 (pre-mRNA processing factor 31; plus strand). Cytogenetic location: 19q13.42.
Variant type: single nucleotide variant.
Coding change: c.1273C>T on transcript NM_015629.4 (MANE Select); coding-DNA position 1273, C replaced by T.
Protein change: p.Gln425Ter; replaces glutamine 425 with a stop codon.
Molecular consequence: nonsense.
Genome position (GRCh38, 1-based): chr19:54,129,183, C>T. VCF-style: chr19-54129183-C-T. GRCh37 (hg19) VCF-style: chr19-54632558-C-T.
Other names: short protein forms Q425*.
Identifiers: ClinVar variation 167538 (VCV000167538.14), dbSNP rs727504107, ClinGen allele CA273359.

ClinVar aggregate classification (germline): Pathogenic. Review status: criteria provided, multiple submitters, no conflicts (2 of 4 stars). 3 submissions from 3 submitters: Pathogenic (3). Last evaluated 2023-05-15.

Conditions:
PRPF31-related disorder. Also called: PRPF31-related condition.

Submissions (3):

Labcorp Genetics (formerly Invitae), Labcorp
Classification: Pathogenic. Last evaluated: 2023-05-15. Review status: criteria provided, single submitter. Criteria: Invitae Variant Classification Sherloc (09022015). Collection method: clinical testing. Allele origin: germline.
Comment: ClinVar contains an entry for this variant (Variation ID: 167538). Algorithms developed to predict the effect of sequence changes on RNA splicing suggest that this variant may create or strengthen a splice site. For these reasons, this variant has been classified as Pathogenic. This premature translational stop signal has been observed in individual(s) with retinitis pigmentosa (PMID: 30924848). This sequence change creates a premature translational stop signal (p.Gln425*) in the PRPF31 gene. It is expected to result in an absent or disrupted protein product. Loss-of-function variants in PRPF31 are known to be pathogenic (PMID: 18317597, 23950152). This variant is not present in population databases (gnomAD no frequency).

Blueprint Genetics
Classification: Pathogenic for PRPF31-related disorders. Last evaluated: 2022-05-18. Review status: criteria provided, single submitter. Criteria: ACMG Guidelines, 2015. Collection method: clinical testing. Allele origin: germline. Affected: yes. Observed: 4 variant alleles.

Eurofins Ntd Llc (ga)
Classification: Pathogenic. Last evaluated: 2015-10-08. Review status: criteria provided, single submitter. Criteria: EGL Classification Definitions 2015. Collection method: clinical testing. Allele origin: germline. Observed: 3 variant alleles, 3 heterozygotes.

Literature cited by the submitters: PubMed 30924848 (cited by Labcorp Genetics (formerly Invitae), Labcorp); PubMed 18317597 (cited by Labcorp Genetics (formerly Invitae), Labcorp); PubMed 23950152 (cited by Labcorp Genetics (formerly Invitae), Labcorp).